The following is an entry in ClinVar:

NM_020458.4(TTC7A):c.607G>T (p.Ala203Ser)

Genes: TTC7A (tetratricopeptide repeat domain 7A; plus strand), LOC126806211 (CDK7 strongly-dependent group 2 enhancer GRCh37_chr2:47201305-47202504; plus strand). Cytogenetic location: 2p21.
Variant type: single nucleotide variant.
Coding change: c.607G>T on transcript NM_020458.4 (MANE Select); coding-DNA position 607, G replaced by T.
Protein change: p.Ala203Ser; replaces alanine 203 with serine.
Molecular consequence: missense variant. On other transcripts: 5 prime UTR variant (1).
Genome position (GRCh38, 1-based): chr2:46,975,062, G>T. VCF-style: chr2-46975062-G-T. GRCh37 (hg19) VCF-style: chr2-47202201-G-T.
Other names: c.607G>T, p.Ala203Ser (NM_001288951.2); c.505G>T, p.Ala169Ser (NM_001288953.2); c.-298G>T (NM_001288955.2); short protein forms A169S, A203S.
Identifiers: ClinVar variation 1497057 (VCV001497057.8), dbSNP rs767203972, ClinGen allele CA346723216.
Genomic context (GRCh38, chr2:46,975,062, plus strand): 5'-ATCGCCTCCCGCTTCCGCCTGACAGAGAGGGAGGAGGAAGTGATCACCTGTTTTGAGAGG[G>T]CCTCCTGGATCGCTCAGGTGTTCCTGCAGGAATTGGAGAAGGTGAGCTGGAAATAACACC-3'
Protein context (NP_065191.2, residues 193-213): EEEVITCFER[Ala203Ser]SWIAQVFLQE

ClinVar aggregate classification (germline): Uncertain significance (1 of 4 stars; one submission).

Conditions:
Multiple gastrointestinal atresias. Also called: FAMILIAL INTESTINAL POLYATRESIA SYNDROME; Multiple intestinal atresia. Identifiers: Orphanet 2300, MedGen C0220744, MONDO:0009465.

Submission:

Labcorp Genetics (formerly Invitae), Labcorp
Classification: Uncertain significance for Multiple gastrointestinal atresias. Last evaluated: 2020-12-24. Review status: criteria provided, single submitter. Criteria: Invitae Variant Classification Sherloc (09022015). Collection method: clinical testing. Allele origin: germline.
Comment: This sequence change replaces alanine with serine at codon 203 of the TTC7A protein (p.Ala203Ser). The alanine residue is highly conserved and there is a moderate physicochemical difference between alanine and serine. This variant is not present in population databases (ExAC no frequency). This variant has not been reported in the literature in individuals with TTC7A-related conditions. Algorithms developed to predict the effect of missense changes on protein structure and function are either unavailable or do not agree on the potential impact of this missense change (SIFT: "Tolerated"; PolyPhen-2: "Possibly Damaging"; Align-GVGD: "Class C0"). In summary, the available evidence is currently insufficient to determine the role of this variant in disease. Therefore, it has been classified as a Variant of Uncertain Significance.